The following is an entry in ClinVar:

ClinVar aggregate classification (germline): Uncertain significance (1 of 4 stars; one submission).

Conditions:
Early Myoclonic Encephalopathy. Identifiers: MedGen C0270855.

Submission:

Labcorp Genetics (formerly Invitae), Labcorp
Classification: Uncertain significance for Early Myoclonic Encephalopathy. Last evaluated: 2019-10-20. Review status: criteria provided, single submitter. Criteria: Invitae Variant Classification Sherloc (09022015). Collection method: clinical testing. Allele origin: germline.
Comment: This variant results in a copy number gain of the genomic region encompassing exons 1-2 of the JMJD1C gene, which includes the initiator codon. The 5' end of this event is unknown as it extends beyond the assayed region for this gene and therefore may encompass additional genes. The 3' boundary is likely confined to intron 2 of the JMJD1C gene. As the precise location of this event is unknown, it may be in tandem or it may be located elsewhere in the genome. This variant has not been reported in the literature in individuals with JMJD1C-related conditions. Experimental studies and prediction algorithms are not available or were not evaluated, and the functional significance of this variant is currently unknown. In summary, the available evidence is currently insufficient to determine the role of this variant in disease. Therefore, it has been classified as a Variant of Uncertain Significance.

NC_000010.11:g.(?_63380298)_(63465682_?)del

Gene: JMJD1C (jumonji domain containing 1C; minus strand). Cytogenetic location: 10q21.3.
Variant type: Deletion.
Identifiers: ClinVar variation 833153 (VCV000833153.4).